The following is an entry in ClinVar:

ClinVar aggregate classification (germline): Uncertain significance (1 of 4 stars; one submission).

Allele frequency attached by ClinVar (database versions not stated): gnomAD 0.00001.
gnomAD v4.1: 6 of 1,613,982 alleles (0.00037%); highest among the groups gnomAD compares: Admixed American, 0.0017%; no homozygotes.

Submission:

Labcorp Genetics (formerly Invitae), Labcorp
Classification: Uncertain significance. Last evaluated: 2026-01-19. Review status: criteria provided, single submitter. Criteria: Invitae Variant Classification Sherloc (09022015). Collection method: clinical testing. Allele origin: germline.
Comment: This sequence change replaces tyrosine, which is neutral and polar, with cysteine, which is neutral and slightly polar, at codon 564 of the C2CD3 protein (p.Tyr564Cys). This variant is present in population databases (no rsID available, gnomAD 0.007%). This variant has not been reported in the literature in individuals affected with C2CD3-related conditions. ClinVar contains an entry for this variant (Variation ID: 2417378). Invitae Evidence Modeling of protein sequence and biophysical properties (such as structural, functional, and spatial information, amino acid conservation, physicochemical variation, residue mobility, and thermodynamic stability) indicates that this missense variant is not expected to disrupt C2CD3 protein function with a negative predictive value of 80%. In summary, the available evidence is currently insufficient to determine the role of this variant in disease. Therefore, it has been classified as a Variant of Uncertain Significance.

NM_001286577.2(C2CD3):c.1691A>G (p.Tyr564Cys)

Gene: C2CD3 (C2 domain containing 3 centriole elongation regulator; minus strand). Cytogenetic location: 11q13.4.
Variant type: single nucleotide variant.
Coding change: c.1691A>G on transcript NM_001286577.2 (MANE Select); coding-DNA position 1691, A replaced by G.
Protein change: p.Tyr564Cys; replaces tyrosine 564 with cysteine.
Molecular consequence: missense variant.
Genome position (GRCh38, 1-based): chr11:74,114,423, T>C on the plus strand (A>G on the coding strand, the complement: C2CD3 is on the minus strand). VCF-style: chr11-74114423-T-C. GRCh37 (hg19) VCF-style: chr11-73825468-T-C.
Other names: c.1691A>G, p.Tyr564Cys (NM_015531.6); short protein forms Y564C.
Identifiers: ClinVar variation 2417378 (VCV002417378.4), dbSNP rs1236911583, ClinGen allele CA381837023.